The following is an entry in ClinVar:

ClinVar aggregate classification (germline): Uncertain significance. Review status: criteria provided, single submitter (1 of 4 stars). 2 submissions from 2 submitters: Uncertain significance (1). 1 of the submissions does not count toward it. Last evaluated 2026-06-22.

Conditions:
GNAS-related disorder. Identifiers: MedGen CN380105.
Cushing syndrome. Also called: Cushing's syndrome; Nodular primary adrenocortical dysplasia; Adrenal hyperfunction resulting from pituitary acth excess; Ectopic adrenocorticotropic hormone syndrome; Hyperadrenocorticism. Identifiers: Orphanet 189427, MedGen C0010481, MONDO:0018912.
Pseudohypoparathyroidism (PHP1A). Identifiers: Orphanet 79443, Orphanet 97593, MedGen C0033806, MONDO:0019992, HP:0000852.
Pseudohypoparathyroidism type 1C (PHP1C). Also called: PHP IC; PSEUDOHYPOPARATHYROIDISM, TYPE IC; Pseudohypoparathyroidism Ic (PHP-Ic). Identifiers: Orphanet 79444, MedGen C2932716, MONDO:0012911, OMIM 612462.
Somatotroph adenoma (PITA1). Also called: ISOLATED FAMILIAL SOMATOTROPINOMA; SOMATOTROPHINOMA, FAMILIAL; ACROMEGALY DUE TO PITUITARY ADENOMA 1; Pituitary adenoma, growth hormone-secreting; Pituitary tumor, growth hormone-secreting, somatic; PITUITARY ADENOMA 1, MULTIPLE TYPES. Identifiers: Orphanet 314777, Orphanet 963, MedGen C4538355, MONDO:0007052, OMIM 102200.
Progressive osseous heteroplasia (POH). Also called: Osseus Heteroplasia, Progressive; Progressive Osseus Heteroplasia (POH); ECTOPIC OSSIFICATION, FAMILIAL; Osteoma cutis. Identifiers: Orphanet 2762, MedGen C0334041, MONDO:0008153, OMIM 166350, HP:0025027.
Pseudohypoparathyroidism type 1B (PHP1B). Also called: PHP IB; Pseudohypoparathyroidism Type IB; Pseudohypoparathyroidism Ib (PHP-Ib). Identifiers: Orphanet 94089, MedGen C1864100, MONDO:0011301, OMIM 603233.
Pseudopseudohypoparathyroidism (PPHP). Also called: ALBRIGHT HEREDITARY OSTEODYSTROPHY WITHOUT MULTIPLE HORMONE RESISTANCE; Pseudopseudohypoparathyroidism (PPHP). Identifiers: Orphanet 79445, MedGen C0033835, MONDO:0012912, OMIM 612463.
McCune-Albright syndrome (MAS). Also called: McCune-Albright syndrome, somatic, mosaic; Fibrous Dysplasia / McCune-Albright Syndrome; ALBRIGHT SYNDROME; Albright's Syndrome; Albright's disease. Identifiers: Orphanet 562, MedGen C0242292, MONDO:0018919, OMIM 174800.

Allele frequency attached by ClinVar (database versions not stated): TOPMed 0.00002; gnomAD 0.00001; gnomAD exomes 0.00002.
gnomAD v4.1: 34 of 1,581,394 alleles (0.0022%); highest among the groups gnomAD compares: Non-Finnish European, 0.0027%; no homozygotes.

Submissions (2):

PreventionGenetics, part of Exact Sciences
Classification: Uncertain significance for GNAS-related condition. Last evaluated: 2026-06-22. Review status: criteria provided, single submitter. Criteria: ACMG Guidelines, 2015. Collection method: clinical testing. Allele origin: germline.
Comment: The GNAS c.1013C>A variant is predicted to result in the amino acid substitution p.Pro338Gln. This variant occurs in a pre-coding region in the primary transcript for this gene (NM_000516:c.-37262C>A). To our knowledge, this variant has not been reported in the literature. This variant is reported in 0.0036% of alleles in individuals of European (Non-Finnish) descent in gnomAD. At this time, the clinical significance of this variant is uncertain due to the absence of conclusive functional and genetic evidence.

Division of Human Genetics, Children's Hospital of Philadelphia
Classification: Uncertain significance for Progressive osseous heteroplasia; Pseudohypoparathyroidism type I A; Pseudopseudohypoparathyroidism; Pseudohypoparathyroidism type 1C; McCune-Albright syndrome; Pseudohypoparathyroidism type 1B; ACTH-independent macronodular adrenal hyperplasia 1; Somatotroph adenoma. Last evaluated: 2016-02-09. Review status: no assertion criteria provided. Collection method: research. Allele origin: paternal. Affected: yes. Study: CSER-PediSeq. Not counted in ClinVar's aggregate classification.

NM_080425.4(GNAS):c.1200C>A (p.Ala400=)

Gene: GNAS (GNAS complex locus; plus strand). Cytogenetic location: 20q13.32.
Variant type: single nucleotide variant.
Coding change: c.1200C>A on transcript NM_080425.4 (MANE Plus Clinical); coding-DNA position 1200, C replaced by A.
Protein change: p.Ala400=; no amino-acid change (alanine 400 retained).
Molecular consequence: synonymous variant. On other transcripts: missense variant (2), intron variant (3).
Genome position (GRCh38, 1-based): chr20:58,854,465, C>A. VCF-style: chr20-58854465-C-A. GRCh37 (hg19) VCF-style: chr20-57429520-C-A.
Other names: c.1013C>A, p.Pro338Gln (NM_001077490.3, NM_001309883.1); c.1200C>A, p.Ala400= (NM_001410913.1); c.*42+13579C>A (NM_016592.5); c.43+13579C>A (NM_001410912.1); c.-39+12590C>A (NM_001309861.2); short protein forms P338Q.
Identifiers: ClinVar variation 417934 (VCV000417934.4), dbSNP rs908810796, ClinGen allele CA16616939.